The following is an entry in ClinVar:

NM_001430.5(EPAS1):c.80G>A (p.Arg27Gln)

Gene: EPAS1 (endothelial PAS domain protein 1; plus strand). Cytogenetic location: 2p21.
Variant type: single nucleotide variant.
Coding change: c.80G>A on transcript NM_001430.5 (MANE Select); coding-DNA position 80, G replaced by A.
Protein change: p.Arg27Gln; replaces arginine 27 with glutamine.
Molecular consequence: missense variant.
Genome position (GRCh38, 1-based): chr2:46,346,926, G>A. VCF-style: chr2-46346926-G-A. GRCh37 (hg19) VCF-style: chr2-46574065-G-A.
Other names: short protein forms R27Q.
Identifiers: ClinVar variation 1761996 (VCV001761996.2), dbSNP rs2103616174, ClinGen allele CA346696952.
Genomic context (GRCh38, chr2:46,346,926, plus strand): 5'-CACTTAGGAGTAGCTCGGAGAGGAGGAAGGAGAAGTCCCGGGATGCTGCGCGGTGCCGGC[G>A]GAGCAAGGAGACGGAGGTGTTCTATGAGCTGGCCCATGAGCTGCCTCTGCCCCACAGTGT-3'
Protein context (NP_001421.2, residues 17-37): EKSRDAARCR[Arg27Gln]SKETEVFYEL

ClinVar aggregate classification (germline): Uncertain significance (1 of 4 stars; one submission).

Conditions:
Inborn genetic diseases. Identifiers: MedGen C0950123, MeSH D030342.

Submission:

Ambry Genetics
Classification: Uncertain significance for Inborn genetic diseases. Last evaluated: 2022-10-17. Review status: criteria provided, single submitter. Criteria: Ambry Variant Classification Scheme 2023. Collection method: clinical testing. Allele origin: germline.
Comment: The p.R27Q variant (also known as c.80G>A), located in coding exon 2 of the EPAS1 gene, results from a G to A substitution at nucleotide position 80. The arginine at codon 27 is replaced by glutamine, an amino acid with highly similar properties. This amino acid position is conserved. In addition, this alteration is predicted to be deleterious by in silico analysis. Since supporting evidence is limited at this time, the clinical significance of this alteration remains unclear.